The following is an entry in ClinVar:

ClinVar aggregate classification (germline): Benign. Review status: criteria provided, single submitter (1 of 4 stars). 2 submissions from 2 submitters: Benign (1). 1 of the submissions does not count toward it. Last evaluated 2025-12-16.

Conditions:
DRP2-related disorder. Also called: DRP2-related condition.

Allele frequency attached by ClinVar (database versions not stated): gnomAD exomes 0.00015 and 0.00040; ExAC 0.00054; 1000 Genomes Project 0.00132; gnomAD 0.00144 and 0.00147; TOPMed 0.00147; 1000 Genomes Project 30x 0.00166; ESP Exome Variant Server 0.00227.

Submissions (2):

Labcorp Genetics (formerly Invitae), Labcorp
Classification: Benign. Last evaluated: 2025-12-16. Review status: criteria provided, single submitter. Criteria: Invitae Variant Classification Sherloc (09022015). Collection method: clinical testing. Allele origin: germline.

PreventionGenetics, part of Exact Sciences
Classification: Likely benign for DRP2-related condition. Last evaluated: 2019-06-04. Review status: no assertion criteria provided. Collection method: clinical testing. Allele origin: germline. Not counted in ClinVar's aggregate classification.
Comment: This variant is classified as likely benign based on ACMG/AMP sequence variant interpretation guidelines (Richards et al. 2015 PMID: 25741868, with internal and published modifications).

NM_001939.3(DRP2):c.1866-7C>T

Gene: DRP2 (dystrophin related protein 2; plus strand). Cytogenetic location: Xq22.1.
Variant type: single nucleotide variant.
Coding change: c.1866-7C>T on transcript NM_001939.3 (MANE Select); 7 bases into the intron before coding-DNA position 1866, C replaced by T.
Molecular consequence: intron variant.
Genome position (GRCh38, 1-based): chrX:101,252,598, C>T. VCF-style: chrX-101252598-C-T. GRCh37 (hg19) VCF-style: chrX-100507587-C-T.
Other names: c.1632-7C>T (NM_001171184.2).
Identifiers: ClinVar variation 723909 (VCV000723909.11), dbSNP rs113546414, ClinGen allele CA10472360.